The following is an entry in ClinVar:

ClinVar aggregate classification (germline): Uncertain significance. Review status: criteria provided, multiple submitters, no conflicts (2 of 4 stars). 3 submissions from 3 submitters: Uncertain significance (3). Last evaluated 2025-08-19.

Conditions:
Familial adenomatous polyposis 1 (FAP1). Also called: FAMILIAL ADENOMATOUS POLYPOSIS 1, ATTENUATED; POLYPOSIS, ADENOMATOUS INTESTINAL. Identifiers: MedGen C2713442, MONDO:0021056, OMIM 175100. Disease mechanism: loss of function.
Hereditary cancer-predisposing syndrome. Also called: Tumor predisposition; Hereditary neoplastic syndrome; Neoplastic Syndromes, Hereditary; Hereditary Cancer Syndrome. Identifiers: Orphanet 140162, MedGen C0027672, MeSH D009386, MONDO:0015356.

Submissions (3):

Ambry Genetics
Classification: Uncertain significance for Hereditary cancer-predisposing syndrome. Last evaluated: 2025-08-19. Review status: criteria provided, single submitter. Criteria: Ambry Variant Classification Scheme 2023. Collection method: clinical testing. Allele origin: germline.
Comment: The p.A300T variant (also known as c.898G>A), located in coding exon 8 of the APC gene, results from a G to A substitution at nucleotide position 898. The alanine at codon 300 is replaced by threonine, an amino acid with similar properties. This amino acid position is not well conserved in available vertebrate species. In addition, in silico predictors for this gene do not accurately predict pathogenicity. Missense alterations in APC are not a common cause of disease (Spier I et al. Genet Med. 2024 Feb;26(2):100992). Based on the available evidence, the clinical significance of this variant remains unclear.

Baylor Genetics
Classification: Uncertain significance for Familial adenomatous polyposis 1. Last evaluated: 2023-06-09. Review status: criteria provided, single submitter. Criteria: ACMG Guidelines, 2015. Collection method: clinical testing. Allele origin: unknown.

Labcorp Genetics (formerly Invitae), Labcorp
Classification: Uncertain significance for Familial adenomatous polyposis 1. Last evaluated: 2022-08-05. Review status: criteria provided, single submitter. Criteria: Invitae Variant Classification Sherloc (09022015). Collection method: clinical testing. Allele origin: germline.
Comment: Algorithms developed to predict the effect of missense changes on protein structure and function (SIFT, PolyPhen-2, Align-GVGD) all suggest that this variant is likely to be tolerated. In summary, the available evidence is currently insufficient to determine the role of this variant in disease. Therefore, it has been classified as a Variant of Uncertain Significance. ClinVar contains an entry for this variant (Variation ID: 1009670). This variant has not been reported in the literature in individuals affected with APC-related conditions. This variant is not present in population databases (gnomAD no frequency). This sequence change replaces alanine, which is neutral and non-polar, with threonine, which is neutral and polar, at codon 300 of the APC protein (p.Ala300Thr).

NM_000038.6(APC):c.898G>A (p.Ala300Thr)

Gene: APC (APC regulator of Wnt signaling pathway; plus strand). Cytogenetic location: 5q22.2.
Variant type: single nucleotide variant.
Coding change: c.898G>A on transcript NM_000038.6 (MANE Select); coding-DNA position 898, G replaced by A.
Protein change: p.Ala300Thr; replaces alanine 300 with threonine.
Molecular consequence: missense variant.
Genome position (GRCh38, 1-based): chr5:112,815,558, G>A. VCF-style: chr5-112815558-G-A. GRCh37 (hg19) VCF-style: chr5-112151255-G-A.
Other names: c.898G>A (NM_000038.5); c.898G>A, p.Ala300Thr (NM_001127510.3, NM_001354895.2, NM_001354896.2 and 1 more transcripts); c.844G>A, p.Ala282Thr (NM_001127511.3); c.928G>A, p.Ala310Thr (NM_001354897.2, NM_001354902.2); c.823G>A, p.Ala275Thr (NM_001354898.2, NM_001354904.2); c.814G>A, p.Ala272Thr (NM_001354899.2); c.721G>A, p.Ala241Thr (NM_001354900.2, NM_001354901.2, NM_001354905.2); c.49G>A, p.Ala17Thr (NM_001354906.2); short protein forms A17T, A241T, A272T, A275T, A282T, A300T, A310T.
Identifiers: ClinVar variation 1009670 (VCV001009670.11), dbSNP rs1762425966, ClinGen allele CA16023280.